The following is an entry in ClinVar:

ClinVar aggregate classification (germline): Pathogenic (1 of 4 stars; one submission).

Submission:

Labcorp Genetics (formerly Invitae), Labcorp
Classification: Pathogenic. Last evaluated: 2025-10-14. Review status: criteria provided, single submitter. Criteria: Invitae Variant Classification Sherloc (09022015). Collection method: clinical testing. Allele origin: germline.
Comment: This sequence change creates a premature translational stop signal (p.Ile134Serfs*3) in the ZNF341 gene. It is expected to result in an absent or disrupted protein product. Loss-of-function variants in ZNF341 are known to be pathogenic (PMID: 29907690, 29907691). This variant is not present in population databases (gnomAD no frequency). This variant has not been reported in the literature in individuals affected with ZNF341-related conditions. For these reasons, this variant has been classified as Pathogenic.

Literature cited by the submitters: PubMed 29907690; PubMed 29907691.

NM_001282933.2(ZNF341):c.400del (p.Ile134fs)

Gene: ZNF341 (zinc finger protein 341; plus strand). Cytogenetic location: 20q11.22.
Variant type: Deletion.
Coding change: c.400del on transcript NM_001282933.2 (MANE Select); coding-DNA position 400, one base deleted (A; older notation c.400delA).
Protein change: p.Ile134fs; shifts the reading frame from isoleucine 134.
Molecular consequence: frameshift variant. On other transcripts: non-coding transcript variant (1).
Genome position (GRCh38, 1-based): chr20:33,748,983, A deleted. VCF-style (leftmost placement, unchanged base first): chr20-33748982-CA-C. GRCh37 (hg19) VCF-style: chr20-32336788-CA-C.
Other names: c.130del, p.Ile44fs (NM_001282935.2); c.400del, p.Ile134fs (NM_032819.5); short protein forms I134fs, I44fs.
Identifiers: ClinVar variation 4765929 (VCV004765929.1).